The following is an entry in ClinVar:

NM_000821.7(GGCX):c.973C>T (p.Arg325Ter)

Gene: GGCX (gamma-glutamyl carboxylase; minus strand). Cytogenetic location: 2p11.2.
Variant type: single nucleotide variant.
Coding change: c.973C>T on transcript NM_000821.7 (MANE Select); coding-DNA position 973, C replaced by T.
Protein change: p.Arg325Ter; replaces arginine 325 with a stop codon.
Molecular consequence: nonsense.
Genome position (GRCh38, 1-based): chr2:85,553,414, G>A on the plus strand (C>T on the coding strand, the complement: GGCX is on the minus strand). VCF-style: chr2-85553414-G-A. GRCh37 (hg19) VCF-style: chr2-85780537-G-A.
Other names: c.802C>T, p.Arg268Ter (NM_001142269.4); short protein forms R268*, R325*.
Identifiers: ClinVar variation 3675440 (VCV003675440.2).

ClinVar aggregate classification (germline): Pathogenic (1 of 4 stars; one submission).

gnomAD v4.1: 16 of 1,614,002 alleles (0.00099%); highest among the groups gnomAD compares: South Asian, 0.0022%; no homozygotes.

Submission:

Labcorp Genetics (formerly Invitae), Labcorp
Classification: Pathogenic. Last evaluated: 2024-09-23. Review status: criteria provided, single submitter. Criteria: Invitae Variant Classification Sherloc (09022015). Collection method: clinical testing. Allele origin: germline.
Comment: This sequence change creates a premature translational stop signal (p.Arg325*) in the GGCX gene. It is expected to result in an absent or disrupted protein product. Loss-of-function variants in GGCX are known to be pathogenic (PMID: 17110937, 17327402, 24520408). This variant is present in population databases (no rsID available, gnomAD 0.007%). This variant has not been reported in the literature in individuals affected with GGCX-related conditions. For these reasons, this variant has been classified as Pathogenic.

Literature cited by the submitters: PubMed 17110937; PubMed 17327402; PubMed 24520408.